The following is an entry in ClinVar:

NM_025132.4(WDR19):c.1168C>A (p.Pro390Thr)

Gene: WDR19 (WD repeat domain 19; plus strand). Cytogenetic location: 4p14.
Variant type: single nucleotide variant.
Coding change: c.1168C>A on transcript NM_025132.4 (MANE Select); coding-DNA position 1168, C replaced by A.
Protein change: p.Pro390Thr; replaces proline 390 with threonine.
Molecular consequence: missense variant.
Genome position (GRCh38, 1-based): chr4:39,216,129, C>A. VCF-style: chr4-39216129-C-A. GRCh37 (hg19) VCF-style: chr4-39217749-C-A.
Other names: c.688C>A, p.Pro230Thr (NM_001317924.2); short protein forms P390T, P230T.
Identifiers: ClinVar variation 1410350 (VCV001410350.7), dbSNP rs752803760, ClinGen allele CA2891789.
Genomic context (GRCh38, chr4:39,216,129, plus strand): 5'-GATTTATTACTATTTTCTTTATTATAGGAGCTACCAATCACAGTTTCTGTTGATGTGGAA[C>A]CCAACTTTGTGGCAGTAGGTCTTTATCATCTGGCTGTAGGAATGAATAATCGAGCTTGGT-3'
Protein context (NP_079408.3, residues 380-400): LPITVSVDVE[Pro390Thr]NFVAVGLYHL

ClinVar aggregate classification (germline): Uncertain significance. Review status: criteria provided, multiple submitters, no conflicts (2 of 4 stars). 3 submissions from 3 submitters: Uncertain significance (3). Last evaluated 2022-09-13.

Conditions:
Asphyxiating thoracic dystrophy 5 (SRTD5). Also called: SHORT-RIB THORACIC DYSPLASIA 5 WITHOUT POLYDACTYLY; SHORT-RIB THORACIC DYSPLASIA 5 WITH OR WITHOUT POLYDACTYLY. Identifiers: Orphanet 474, MedGen C3280598, MONDO:0013717, OMIM 614376.
Cranioectodermal dysplasia 4 (CED4). Identifiers: Orphanet 1515, MedGen C3280616, MONDO:0013719, OMIM 614378.
Spermatogenic failure 72 (SPGF72). Identifiers: MedGen C5676980, MONDO:0030809, OMIM 619867.
Nephronophthisis 13 (NPHP13). Identifiers: Orphanet 655, MedGen C3280612, MONDO:0013718, OMIM 614377.
Senior-Loken syndrome 8 (SLSN8). Identifiers: Orphanet 3156, MedGen C4225376, MONDO:0014579, OMIM 616307.

Allele frequency attached by ClinVar (database versions not stated): gnomAD exomes 0.00002; TOPMed 0.00002; gnomAD 0.00003; ExAC 0.00010.
gnomAD v4.1: 37 of 1,593,850 alleles (0.0023%); highest among the groups gnomAD compares: Middle Eastern, 0.017%; no homozygotes.

Submissions (3):

Blueprint Genetics
Classification: Uncertain significance. Last evaluated: 2022-09-13. Review status: criteria provided, single submitter. Criteria: ACMG Guidelines, 2015. Collection method: clinical testing. Allele origin: germline.

Fulgent Genetics
Classification: Uncertain significance for Asphyxiating thoracic dystrophy 5; Nephronophthisis 13; Cranioectodermal dysplasia 4; Senior-Loken syndrome 8; Spermatogenic failure 72. Last evaluated: 2022-04-06. Review status: criteria provided, single submitter. Criteria: ACMG Guidelines, 2015. Collection method: clinical testing. Allele origin: unknown.

Labcorp Genetics (formerly Invitae), Labcorp
Classification: Uncertain significance for Senior-Loken syndrome 8; Asphyxiating thoracic dystrophy 5. Last evaluated: 2021-09-24. Review status: criteria provided, single submitter. Criteria: Invitae Variant Classification Sherloc (09022015). Collection method: clinical testing. Allele origin: germline.
Comment: This sequence change replaces proline with threonine at codon 390 of the WDR19 protein (p.Pro390Thr). The proline residue is highly conserved and there is a small physicochemical difference between proline and threonine. This variant is present in population databases (rs752803760, ExAC 0.02%). This variant has not been reported in the literature in individuals with WDR19-related conditions. Algorithms developed to predict the effect of missense changes on protein structure and function (SIFT, PolyPhen-2, Align-GVGD) all suggest that this variant is likely to be disruptive, but these predictions have not been confirmed by published functional studies and their clinical significance is uncertain. In summary, the available evidence is currently insufficient to determine the role of this variant in disease. Therefore, it has been classified as a Variant of Uncertain Significance.